The following is an entry in ClinVar:

ClinVar aggregate classification (germline): Conflicting classifications of pathogenicity. Review status: criteria provided, conflicting classifications (1 of 4 stars). 5 submissions from 5 submitters: Uncertain significance (1); Likely benign (3). 1 of the submissions does not count toward it. Last evaluated 2026-01-03.

Conditions:
Saldino-Mainzer syndrome (SRTD9). Also called: Renal dysplasia, retinal pigmentary dystrophy, cerebellar ataxia and skeletal dysplasia; SHORT-RIB THORACIC DYSPLASIA 9 WITHOUT POLYDACTYLY; short-rib thoracic dysplasia 9 with or without polydactyly; CONORENAL SYNDROME. Identifiers: Orphanet 140969, MedGen C1849437, MONDO:0009964, OMIM 266920.
IFT140-related disorder. Also called: IFT140-related condition.

Allele frequency attached by ClinVar (database versions not stated): ExAC 0.00003; TOPMed 0.00003.
gnomAD v4.1: 31 of 1,610,114 alleles (0.0019%); highest among the groups gnomAD compares: South Asian, 0.013%; no homozygotes.

Submissions (5):

Labcorp Genetics (formerly Invitae), Labcorp
Classification: Likely benign for Saldino-Mainzer syndrome. Last evaluated: 2026-01-03. Review status: criteria provided, single submitter. Criteria: Invitae Variant Classification Sherloc (09022015). Collection method: clinical testing. Allele origin: germline.

CeGaT Center for Human Genetics Tuebingen
Classification: Likely benign. Last evaluated: 2024-01-01. Review status: criteria provided, single submitter. Criteria: CeGaT Center For Human Genetics Tuebingen Variant Classification Criteria Version 2. Collection method: clinical testing. Allele origin: germline. Affected: yes. Observed: 1 variant allele.
Comment: IFT140: BP4, BP7

Blueprint Genetics
Classification: Likely benign. Last evaluated: 2021-03-05. Review status: criteria provided, single submitter. Criteria: ACMG Guidelines, 2015. Collection method: clinical testing. Allele origin: germline.

Illumina Laboratory Services, Illumina
Classification: Uncertain significance for Saldino-Mainzer syndrome. Last evaluated: 2018-01-12. Review status: criteria provided, single submitter. Criteria: ICSL Variant Classification Criteria 13 December 2019. Collection method: clinical testing. Allele origin: germline.

PreventionGenetics, part of Exact Sciences
Classification: Likely benign for IFT140-related condition. Last evaluated: 2024-09-03. Review status: no assertion criteria provided. Collection method: clinical testing. Allele origin: germline. Not counted in ClinVar's aggregate classification.
Comment: This variant is classified as likely benign based on ACMG/AMP sequence variant interpretation guidelines (Richards et al. 2015 PMID: 25741868, with internal and published modifications).

NM_014714.4(IFT140):c.3513G>A (p.Ala1171=)

Gene: IFT140 (intraflagellar transport 140; minus strand). Cytogenetic location: 16p13.3.
Variant type: single nucleotide variant.
Coding change: c.3513G>A on transcript NM_014714.4 (MANE Select); coding-DNA position 3513, G replaced by A.
Protein change: p.Ala1171=; no amino-acid change (alanine 1171 retained).
Molecular consequence: synonymous variant.
Genome position (GRCh38, 1-based): chr16:1,520,749, C>T on the plus strand (G>A on the coding strand, the complement: IFT140 is on the minus strand). VCF-style: chr16-1520749-C-T. GRCh37 (hg19) VCF-style: chr16-1570750-C-T.
Identifiers: ClinVar variation 887715 (VCV000887715.34), dbSNP rs763709094, ClinGen allele CA7813129.